The following is an entry in ClinVar:

ClinVar aggregate classification (germline): Uncertain significance (1 of 4 stars; one submission).

Submission:

Ambry Genetics
Classification: Uncertain significance. Last evaluated: 2024-09-06. Review status: criteria provided, single submitter. Criteria: Ambry Variant Classification Scheme 2023. Collection method: clinical testing. Allele origin: germline.
Comment: The p.P916Q variant (also known as c.2747C>A), located in coding exon 24 of the KIF1B gene, results from a C to A substitution at nucleotide position 2747. The proline at codon 916 is replaced by glutamine, an amino acid with similar properties. This amino acid position is highly conserved in available vertebrate species. In addition, this alteration is predicted to be deleterious by in silico analysis. The evidence for this gene-disease relationship is limited; therefore, the clinical significance of this alteration is unclear.

NM_001365951.3(KIF1B):c.2885C>A (p.Pro962Gln)

Genes: KIF1B (kinesin family member 1B; plus strand), LOC126805614 (BRD4-independent group 4 enhancer GRCh37_chr1:10385546-10386745; plus strand). Cytogenetic location: 1p36.22.
Variant type: single nucleotide variant.
Coding change: c.2885C>A on transcript NM_001365951.3 (MANE Select); coding-DNA position 2885, C replaced by A.
Protein change: p.Pro962Gln; replaces proline 962 with glutamine.
Molecular consequence: missense variant.
Genome position (GRCh38, 1-based): chr1:10,326,320, C>A. VCF-style: chr1-10326320-C-A. GRCh37 (hg19) VCF-style: chr1-10386378-C-A.
Other names: c.2885C>A, p.Pro962Gln (NM_001365952.1); c.2747C>A, p.Pro916Gln (NM_015074.3); short protein forms P916Q, P962Q.
Identifiers: ClinVar variation 3533986 (VCV003533986.1).